The following is an entry in ClinVar:

NM_000397.4(CYBB):c.483+3A>T

Gene: CYBB (cytochrome b-245 beta chain; plus strand). Cytogenetic location: Xp21.1.
Variant type: single nucleotide variant.
Coding change: c.483+3A>T on transcript NM_000397.4 (MANE Select); 3 bases into the intron after coding-DNA position 483, A replaced by T.
Molecular consequence: intron variant.
Genome position (GRCh38, 1-based): chrX:37,793,813, A>T. VCF-style: chrX-37793813-A-T. GRCh37 (hg19) VCF-style: chrX-37653066-A-T.
Other names: c.483+3A>T (NM_000397.3).
Identifiers: ClinVar variation 3768836 (VCV003768836.3).
Genomic context (GRCh38, chrX:37,793,813, plus strand): 5'-TGAACTTGGAGACAGGCAAAATGAAAGTTATCTCAATTTTGCTCGAAAGAGAATAAAGGT[A>T]AGCCTCTCATTATCTGACTTAGATATTCTCTAGGCCATTACAATTGAGGACTAGATTTCA-3'

ClinVar aggregate classification (germline): Likely pathogenic. Review status: criteria provided, multiple submitters, no conflicts (2 of 4 stars). 2 submissions from 2 submitters: Likely pathogenic (2). Last evaluated 2026-03-30.

Conditions:
Granulomatous disease, chronic, X-linked. Also called: CYTOCHROME b-NEGATIVE GRANULOMATOUS DISEASE, CHRONIC, X-LINKED; GRANULOMATOUS DISEASE, CHRONIC, X-LINKED, SOMATIC MOSAIC. Identifiers: Orphanet 379, MedGen C1844376, MONDO:0010600, OMIM 306400.
Chronic granulomatous disease. Identifiers: Orphanet 379, MedGen C0018203, MONDO:0018305.

Submissions (2):

Women's Health and Genetics/Laboratory Corporation of America, LabCorp
Classification: Likely pathogenic for Granulomatous disease, chronic, X-linked. Last evaluated: 2026-03-30. Review status: criteria provided, single submitter. Criteria: LabCorp Variant Classification Summary - May 2015. Collection method: clinical testing. Allele origin: germline.
Comment: Variant summary: CYBB c.483+3A>T alters a conserved nucleotide located close to a canonical splice site and therefore could affect mRNA splicing, leading to a significantly altered protein sequence. Several computational tools predict a significant impact on normal splicing: One predicts the variant abolishes a 5' splicing donor site and two predict the variant weakens the 5' donor site, whereas one predicts the variant has no significant impact on splicing. At least one publication reports experimental evidence that this variant affects mRNA splicing resulting in exon skipping that leads to a frameshift and premature termination of the encoded protein at position 133 (example: de Boer_1992). The variant was absent in 179176 control chromosomes. c.483+3A>T has been reported in the literature in at-least one individual affected with X-Linked Chronic Granulomatous Disease (example: de Boer_1992). The following publication has been ascertained in the context of this evaluation (PMID: 1520880). No submitters have cited clinical-significance assessments for this variant to ClinVar. Based on the evidence outlined above, the variant was classified as likely pathogenic.

Natera, Inc.
Classification: Likely pathogenic for Chronic granulomatous disease. Last evaluated: 2025-01-02. Review status: criteria provided, single submitter. Criteria: Natera Variant Classification Schema (03/2026). Collection method: clinical testing. Allele origin: germline.
Comment: The c.483+3A>T variant in CYBB is an intronic variant located outside the canonical splice sites. This variant is rare in the general population with a frequency below the threshold expected for the associated phenotype(s). This variant has been observed in one or more individuals affected with the associated recessive disease, as either homozygous or compound heterozygous with a second variant (PMID: 1520880). Functional studies show that this variant may disrupt protein function (PMID: 1520880). Computational prediction algorithms indicate this variant is likely to affect gene or protein function. Given the available evidence, this variant is classified as Likely Pathogenic.

Literature cited by the submitters: PubMed 1520880 (cited by Women's Health and Genetics/Laboratory Corporation of America, LabCorp and Natera, Inc.).